The following is an entry in ClinVar:

ClinVar aggregate classification (germline): Uncertain significance. Review status: criteria provided, multiple submitters, no conflicts (2 of 4 stars). 3 submissions from 3 submitters: Uncertain significance (3). Last evaluated 2024-05-10.

Conditions:
Inborn genetic diseases. Identifiers: MedGen C0950123, MeSH D030342.
Hypomyelination with brain stem and spinal cord involvement and leg spasticity. Also called: Hypomyelination with brainstem and spinal cord involvement and leg spasticity; ASPARTYL-tRNA SYNTHETASE DEFICIENCY. Identifiers: Orphanet 363412, MedGen C4755254, MONDO:0014115, OMIM 615281.

Allele frequency attached by ClinVar (database versions not stated): gnomAD exomes below 0.00001 and 0.00001; ExAC 0.00001.
gnomAD v4.1: 2 of 1,604,994 alleles (0.00012%); highest among the groups gnomAD compares: Admixed American, 0.0017%; no homozygotes.

Submissions (3):

Ambry Genetics
Classification: Uncertain significance for Inborn genetic diseases. Last evaluated: 2024-05-10. Review status: criteria provided, single submitter. Criteria: Ambry Variant Classification Scheme 2023. Collection method: clinical testing. Allele origin: germline.

Blueprint Genetics
Classification: Uncertain significance. Last evaluated: 2019-04-04. Review status: criteria provided, single submitter. Criteria: ACMG Guidelines, 2015. Collection method: clinical testing. Allele origin: germline.

Baylor Genetics
Classification: Uncertain significance for Hypomyelination with brain stem and spinal cord involvement and leg spasticity. Last evaluated: 2019-03-08. Review status: criteria provided, single submitter. Criteria: ACMG Guidelines, 2015. Collection method: clinical testing. Allele origin: maternal. Affected: yes.
Comment: This variant was determined to be of uncertain significance according to ACMG Guidelines, 2015 [PMID:25741868].

NM_001349.4(DARS1):c.644T>C (p.Phe215Ser)

Gene: DARS1 (aspartyl-tRNA synthetase 1; minus strand). Cytogenetic location: 2q21.3.
Variant type: single nucleotide variant.
Coding change: c.644T>C on transcript NM_001349.4 (MANE Select); coding-DNA position 644, T replaced by C.
Protein change: p.Phe215Ser; replaces phenylalanine 215 with serine.
Molecular consequence: missense variant.
Genome position (GRCh38, 1-based): chr2:135,924,419, A>G on the plus strand (T>C on the coding strand, the complement: DARS1 is on the minus strand). VCF-style: chr2-135924419-A-G. GRCh37 (hg19) VCF-style: chr2-136681989-A-G.
Other names: c.344T>C, p.Phe115Ser (NM_001293312.1); short protein forms F215S, F115S.
Identifiers: ClinVar variation 1030430 (VCV001030430.3), dbSNP rs751774677, ClinGen allele CA1889727.
Genomic context (GRCh38, chr2:135,924,419, plus strand): 5'-AAATTAAGAGAAATATTTTGAAGCATACCTGAAATAATTTTAGGAGTTTGGATTTCCACA[A>G]AACCTTTGTTAATTAAAGTTTCTCGGAAGAGATGGCAGATGCCAGACTGGAGACGGAAGA-3'
Protein context (NP_001340.2, residues 205-225): LFRETLINKG[Phe215Ser]VEIQTPKIIS